The following is an entry in ClinVar:

ClinVar aggregate classification (germline): Uncertain significance (1 of 4 stars; one submission).

Conditions:
Dyskeratosis congenita, autosomal recessive 5 (DKCB5). Identifiers: MedGen C3554656, MONDO:0014076, OMIM 615190.
Pulmonary fibrosis and/or bone marrow failure, Telomere-related, 3. Also called: PULMONARY FIBROSIS AND/OR BONE MARROW FAILURE SYNDROME, TELOMERE-RELATED, 3. Identifiers: Orphanet 2032, MedGen C4225346, MONDO:0014613, OMIM 616373.

Submission:

Labcorp Genetics (formerly Invitae), Labcorp
Classification: Uncertain significance for Dyskeratosis congenita, autosomal recessive 5; Pulmonary fibrosis and/or bone marrow failure, Telomere-related, 3. Last evaluated: 2024-06-20. Review status: criteria provided, single submitter. Criteria: Invitae Variant Classification Sherloc (09022015). Collection method: clinical testing. Allele origin: germline.
Comment: This sequence change replaces proline, which is neutral and non-polar, with arginine, which is basic and polar, at codon 996 of the RTEL1 protein (p.Pro996Arg). This variant is not present in population databases (gnomAD no frequency). This variant has not been reported in the literature in individuals affected with RTEL1-related conditions. ClinVar contains an entry for this variant (Variation ID: 1355319). An algorithm developed to predict the effect of missense changes on protein structure and function (PolyPhen-2) suggests that this variant is likely to be tolerated. In summary, the available evidence is currently insufficient to determine the role of this variant in disease. Therefore, it has been classified as a Variant of Uncertain Significance.

NM_001283009.2(RTEL1):c.2987C>G (p.Pro996Arg)

Genes: RTEL1 (regulator of telomere elongation helicase 1; plus strand), RTEL1-TNFRSF6B (RTEL1-TNFRSF6B readthrough (NMD candidate); plus strand). Cytogenetic location: 20q13.33.
Variant type: single nucleotide variant.
Coding change: c.2987C>G on transcript NM_001283009.2 (MANE Select); coding-DNA position 2987, C replaced by G.
Protein change: p.Pro996Arg; replaces proline 996 with arginine.
Molecular consequence: missense variant. On other transcripts: non-coding transcript variant (1).
Genome position (GRCh38, 1-based): chr20:63,693,278, C>G. VCF-style: chr20-63693278-C-G. GRCh37 (hg19) VCF-style: chr20-62324631-C-G.
Other names: c.2318C>G, p.Pro773Arg (NM_001283010.1); c.2987C>G, p.Pro996Arg (NM_016434.4); c.3059C>G, p.Pro1020Arg (NM_032957.5); short protein forms P996R, P1020R, P773R.
Identifiers: ClinVar variation 1355319 (VCV001355319.5), dbSNP rs373210484, ClinGen allele CA317522381.
Genomic context (GRCh38, chr20:63,693,278, plus strand): 5'-GTGGCTATCGGCCTGAGCACAGCATTCCCCGAAGGCAGCGGGCACAGCCGGTCCTGGACC[C>G]CACTGGTAAATGGGGCCCCAGGTGGGACCCTCAGACTCCTGCGTGGAAGGCAGTGTGGGC-3'
Protein context (NP_001269938.1, residues 986-1006): RRQRAQPVLD[Pro996Arg]TGRTAPDPKL